The following is an entry in ClinVar:

NM_016284.5(CNOT1):c.2919G>A (p.Gln973=)

Gene: CNOT1 (CCR4-NOT transcription complex subunit 1; minus strand). Cytogenetic location: 16q21.
Variant type: single nucleotide variant.
Coding change: c.2919G>A on transcript NM_016284.5 (MANE Select); coding-DNA position 2919, G replaced by A.
Protein change: p.Gln973=; no amino-acid change (glutamine 973 retained).
Molecular consequence: synonymous variant. On other transcripts: non-coding transcript variant (1).
Genome position (GRCh38, 1-based): chr16:58,553,833, C>T on the plus strand (G>A on the coding strand, the complement: CNOT1 is on the minus strand). VCF-style: chr16-58553833-C-T. GRCh37 (hg19) VCF-style: chr16-58587737-C-T.
Other names: c.2919G>A, p.Gln973= (NM_206999.3); c.2919G>A (NM_016284.4); c.2904G>A, p.Gln968= (NM_001265612.2); c.2904G>A (NM_001265612.1).
Identifiers: ClinVar variation 1217378 (VCV001217378.16), dbSNP rs11866002, ClinGen allele CA8089553.

ClinVar aggregate classification (germline): Benign. Review status: criteria provided, multiple submitters, no conflicts (2 of 4 stars). 6 submissions from 5 submitters: Benign (5). 1 of the submissions does not count toward it. Last evaluated 2026-02-03.

Conditions:
Vissers-Bodmer syndrome. Identifiers: MedGen C5436647, MONDO:0033618, OMIM 619033.
CNOT1-related disorder. Also called: CNOT1-related condition.
Holoprosencephaly 12 with or without pancreatic agenesis. Identifiers: MedGen C5193131, MONDO:0032787, OMIM 618500.

Allele frequency attached by ClinVar (database versions not stated): gnomAD exomes 0.31329 and 0.35246; ExAC 0.36834; gnomAD 0.38888 and 0.39194; ESP Exome Variant Server 0.39805; TOPMed 0.40288; 1000 Genomes Project 0.48522; 1000 Genomes Project 30x 0.48673.
gnomAD v4.1: 517,199 of 1,608,122 alleles (32%); highest among the groups gnomAD compares: East Asian, 60%; 90,358 homozygotes.

Submissions (6):

Labcorp Genetics (formerly Invitae), Labcorp
Classification: Benign. Last evaluated: 2026-02-03. Review status: criteria provided, single submitter. Criteria: Invitae Variant Classification Sherloc (09022015). Collection method: clinical testing. Allele origin: germline.

Genome-Nilou Lab
Classification: Benign for Holoprosencephaly 12 with or without pancreatic agenesis. Last evaluated: 2021-07-22. Review status: criteria provided, single submitter. Criteria: ACMG Guidelines, 2015. Collection method: clinical testing. Allele origin: germline. Affected: no.

Genome-Nilou Lab
Classification: Benign for Vissers-Bodmer syndrome. Last evaluated: 2021-07-22. Review status: criteria provided, single submitter. Criteria: ACMG Guidelines, 2015. Collection method: clinical testing. Allele origin: germline. Affected: no.

GeneDx
Classification: Benign. Last evaluated: 2021-05-04. Review status: criteria provided, single submitter. Criteria: GeneDx Variant Classification Process June 2021. Collection method: clinical testing. Allele origin: germline. Affected: yes.

Breakthrough Genomics
Classification: Benign. Review status: criteria provided, single submitter. Criteria: ACMG Guidelines, 2015. Collection method: not provided. Allele origin: germline. Inheritance: Autosomal dominant inheritance. Affected: yes.

PreventionGenetics, part of Exact Sciences
Classification: Benign for CNOT1-related condition. Last evaluated: 2019-10-18. Review status: no assertion criteria provided. Collection method: clinical testing. Allele origin: germline. Not counted in ClinVar's aggregate classification.
Comment: This variant is classified as benign based on ACMG/AMP sequence variant interpretation guidelines (Richards et al. 2015 PMID: 25741868, with internal and published modifications).